The following is an entry in ClinVar:

ClinVar aggregate classification (germline): Uncertain significance (1 of 4 stars; one submission).

Submission:

Labcorp Genetics (formerly Invitae), Labcorp
Classification: Uncertain significance. Last evaluated: 2022-08-15. Review status: criteria provided, single submitter. Criteria: Invitae Variant Classification Sherloc (09022015). Collection method: clinical testing. Allele origin: germline.
Comment: This variant is not present in population databases (gnomAD no frequency). In summary, the available evidence is currently insufficient to determine the role of this variant in disease. Therefore, it has been classified as a Variant of Uncertain Significance. Experimental studies and prediction algorithms are not available or were not evaluated, and the functional significance of this variant is currently unknown. This variant has not been reported in the literature in individuals affected with CFB-related conditions. This sequence change creates a premature translational stop signal (p.Glu621Serfs*20) in the CFB gene. It is expected to result in an absent or disrupted protein product. However, the current clinical and genetic evidence is not sufficient to establish whether loss-of-function variants in CFB cause disease.

NM_001710.6(CFB):c.1860del (p.Glu621fs)

Gene: CFB (complement factor B; plus strand). Cytogenetic location: 6p21.33.
Variant type: Deletion.
Coding change: c.1860del on transcript NM_001710.6 (MANE Select); coding-DNA position 1860, one base deleted (A; older notation c.1860delA).
Protein change: p.Glu621fs; shifts the reading frame from glutamic acid 621.
Molecular consequence: frameshift variant.
Genome position (GRCh38, 1-based): chr6:31,951,148, A deleted; the last of 2 consecutive A bases (chr6:31,951,147-31,951,148); deleting either gives the same sequence. VCF-style (leftmost placement, unchanged base first): chr6-31951146-GA-G. GRCh37 (hg19) VCF-style: chr6-31918923-GA-G.
Other names: short protein forms E621fs.
Identifiers: ClinVar variation 2111366 (VCV002111366.4), dbSNP rs2482711928, ClinGen allele CA2580074281.
Genomic context (GRCh38, chr6:31,951,146, plus strand): 5'-GGCAATGGGGAGATGACAGTGGTGGGAGCAGCTGAAGTGACGCAGTCTATTCGTCCAGAG[GA>G]AGAGCTGCTCCCTGCACAGGATATCAAAGCTCTGTTTGTGTCTGAGGAGGAGAAAAAGCT-3'